The following is an entry in ClinVar:

NM_001563.4(IMPG1):c.1393A>T (p.Thr465Ser)

Gene: IMPG1 (interphotoreceptor matrix proteoglycan 1; minus strand). Cytogenetic location: 6q14.1.
Variant type: single nucleotide variant.
Coding change: c.1393A>T on transcript NM_001563.4 (MANE Select); coding-DNA position 1393, A replaced by T.
Protein change: p.Thr465Ser; replaces threonine 465 with serine.
Molecular consequence: missense variant.
Genome position (GRCh38, 1-based): chr6:75,950,993, T>A on the plus strand (A>T on the coding strand, the complement: IMPG1 is on the minus strand). VCF-style: chr6-75950993-T-A. GRCh37 (hg19) VCF-style: chr6-76660710-T-A.
Other names: c.1159A>T, p.Thr387Ser (NM_001282368.2); c.1393A>T (NM_001563.2); short protein forms T387S, T465S.
Identifiers: ClinVar variation 1399227 (VCV001399227.8), dbSNP rs897991436, ClinGen allele CA141083605.

ClinVar aggregate classification (germline): Uncertain significance. Review status: criteria provided, multiple submitters, no conflicts (2 of 4 stars). 3 submissions from 3 submitters: Uncertain significance (3). Last evaluated 2025-03-17.

Allele frequency attached by ClinVar (database versions not stated): gnomAD 0.00001; gnomAD exomes 0.00001 and 0.00002; TOPMed 0.00002.
gnomAD v4.1: 7 of 1,613,818 alleles (0.00043%); highest among the groups gnomAD compares: Admixed American, 0.0067%; 1 homozygote.

Submissions (3):

Labcorp Genetics (formerly Invitae), Labcorp
Classification: Uncertain significance. Last evaluated: 2025-03-17. Review status: criteria provided, single submitter. Criteria: Invitae Variant Classification Sherloc (09022015). Collection method: clinical testing. Allele origin: germline.
Comment: This sequence change replaces threonine, which is neutral and polar, with serine, which is neutral and polar, at codon 465 of the IMPG1 protein (p.Thr465Ser). This variant is present in population databases (no rsID available, gnomAD 0.01%). This variant has not been reported in the literature in individuals affected with IMPG1-related conditions. ClinVar contains an entry for this variant (Variation ID: 1399227). An algorithm developed to predict the effect of missense changes on protein structure and function (PolyPhen-2) suggests that this variant is likely to be tolerated. In summary, the available evidence is currently insufficient to determine the role of this variant in disease. Therefore, it has been classified as a Variant of Uncertain Significance.

Ambry Genetics
Classification: Uncertain significance. Last evaluated: 2024-05-28. Review status: criteria provided, single submitter. Criteria: Ambry Variant Classification Scheme 2023. Collection method: clinical testing. Allele origin: germline.

Blueprint Genetics
Classification: Uncertain significance. Last evaluated: 2023-07-28. Review status: criteria provided, single submitter. Criteria: ACMG Guidelines, 2015. Collection method: clinical testing. Allele origin: germline.